The following is an entry in ClinVar:

NM_004484.4(GPC3):c.1661A>T (p.Asn554Ile)

Gene: GPC3 (glypican 3; minus strand). Cytogenetic location: Xq26.2.
Variant type: single nucleotide variant.
Coding change: c.1661A>T on transcript NM_004484.4 (MANE Select); coding-DNA position 1661, A replaced by T.
Protein change: p.Asn554Ile; replaces asparagine 554 with isoleucine.
Molecular consequence: missense variant.
Genome position (GRCh38, 1-based): chrX:133,536,206, T>A on the plus strand (A>T on the coding strand, the complement: GPC3 is on the minus strand). VCF-style: chrX-133536206-T-A. GRCh37 (hg19) VCF-style: chrX-132670234-T-A.
Other names: c.1730A>T, p.Asn577Ile (NM_001164617.2); c.1613A>T, p.Asn538Ile (NM_001164618.2); c.1499A>T, p.Asn500Ile (NM_001164619.2); short protein forms N538I, N500I, N554I, N577I.
Identifiers: ClinVar variation 2761629 (VCV002761629.3), dbSNP rs2069288846, ClinGen allele CA414702643.
Genomic context (GRCh38, chrX:133,536,206, plus strand): 5'-CACACCACCGAGATGGCCATGCTGGTGAGAAGCTTCAGCGGGGAATGAACGTTCCCGAGG[T>A]TGTGAAAGGTGCTTATCTCGTTGTCCTTCGGAGTTGCCTGCTGACTGTTTCCAGGCGCAT-3'
Protein context (NP_004475.1, residues 544-564): PKDNEISTFH[Asn554Ile]LGNVHSPLKL

ClinVar aggregate classification (germline): Uncertain significance (1 of 4 stars; one submission).

Conditions:
Wilms tumor 1 (WT1). Also called: Wilms tumor, somatic. Identifiers: Orphanet 654, MedGen CN033288, MONDO:0008679, OMIM 194070.

Submission:

Labcorp Genetics (formerly Invitae), Labcorp
Classification: Uncertain significance for Wilms tumor 1. Last evaluated: 2023-09-19. Review status: criteria provided, single submitter. Criteria: Invitae Variant Classification Sherloc (09022015). Collection method: clinical testing. Allele origin: germline.
Comment: This sequence change replaces asparagine, which is neutral and polar, with isoleucine, which is neutral and non-polar, at codon 554 of the GPC3 protein (p.Asn554Ile). In summary, the available evidence is currently insufficient to determine the role of this variant in disease. Therefore, it has been classified as a Variant of Uncertain Significance. An algorithm developed to predict the effect of missense changes on protein structure and function (PolyPhen-2) suggests that this variant is likely to be disruptive. This variant has not been reported in the literature in individuals affected with GPC3-related conditions. This variant is not present in population databases (gnomAD no frequency).